The following is an entry in ClinVar:

ClinVar aggregate classification (germline): Likely benign. Review status: criteria provided, single submitter (1 of 4 stars). 2 submissions from 2 submitters: Likely benign (1). 1 of the submissions does not count toward it. Last evaluated 2018-09-19.

Conditions:
DNHD1-related disorder. Also called: DNHD1-related condition.

Allele frequency attached by ClinVar (database versions not stated): gnomAD exomes 0.00009 and 0.00022; gnomAD 0.00013; TOPMed 0.00014; 1000 Genomes Project 30x 0.00016; 1000 Genomes Project 0.00020; ExAC 0.00020; ESP Exome Variant Server 0.00044.
gnomAD v4.1: 324 of 1,551,664 alleles (0.021%); highest among the groups gnomAD compares: Middle Eastern, 0.033%; 1 homozygote.

Submissions (2):

Labcorp Genetics (formerly Invitae), Labcorp
Classification: Likely benign. Last evaluated: 2018-09-19. Review status: criteria provided, single submitter. Criteria: Invitae Variant Classification Sherloc (09022015). Collection method: clinical testing. Allele origin: germline.

PreventionGenetics, part of Exact Sciences
Classification: Likely benign for DNHD1-related condition. Last evaluated: 2019-11-20. Review status: no assertion criteria provided. Collection method: clinical testing. Allele origin: germline. Not counted in ClinVar's aggregate classification.
Comment: This variant is classified as likely benign based on ACMG/AMP sequence variant interpretation guidelines (Richards et al. 2015 PMID: 25741868, with internal and published modifications).

NM_144666.3(DNHD1):c.9792C>T (p.Phe3264=)

Gene: DNHD1 (dynein heavy chain domain 1; plus strand). Cytogenetic location: 11p15.4.
Variant type: single nucleotide variant.
Coding change: c.9792C>T on transcript NM_144666.3 (MANE Select); coding-DNA position 9792, C replaced by T.
Protein change: p.Phe3264=; no amino-acid change (phenylalanine 3264 retained).
Molecular consequence: synonymous variant.
Genome position (GRCh38, 1-based): chr11:6,563,504, C>T. VCF-style: chr11-6563504-C-T. GRCh37 (hg19) VCF-style: chr11-6584734-C-T.
Identifiers: ClinVar variation 718338 (VCV000718338.5), dbSNP rs138113940, ClinGen allele CA5856433.
Genomic context (GRCh38, chr11:6,563,504, plus strand): 5'-GAGCTATCGAGCACCACCAGAATCTGTGGTCCGGGTAACTGATGCAATGTGTGACTTGTT[C>T]CACCATGAAACAGGCTGGGCCAGTGCCAAACAGCTGTTATGCACTGAGGATTTTTATCAG-3'
Protein context (NP_653267.2, residues 3254-3274): VRVTDAMCDL[Phe3264=]HHETGWASAK